The following is an entry in ClinVar:

ClinVar aggregate classification (germline): Uncertain significance (1 of 4 stars; one submission).

Conditions:
Mosaic variegated aneuploidy syndrome 1 (MVA1). Also called: Warburton-Anyane-Yeboa syndrome. Identifiers: Orphanet 1052, MedGen C1850343, MONDO:0009759, OMIM 257300.

Submission:

Labcorp Genetics (formerly Invitae), Labcorp
Classification: Uncertain significance for Mosaic variegated aneuploidy syndrome 1. Last evaluated: 2025-03-22. Review status: criteria provided, single submitter. Criteria: Invitae Variant Classification Sherloc (09022015). Collection method: clinical testing. Allele origin: germline.
Comment: This sequence change falls in intron 11 of the BUB1B gene. It does not directly change the encoded amino acid sequence of the BUB1B protein. This variant is present in population databases (rs766567453, gnomAD 0.0009%). This variant has not been reported in the literature in individuals affected with BUB1B-related conditions. Algorithms developed to predict the effect of sequence changes on RNA splicing suggest that this variant may disrupt the consensus splice site. In summary, the available evidence is currently insufficient to determine the role of this variant in disease. Therefore, it has been classified as a Variant of Uncertain Significance.

NM_001211.6(BUB1B):c.1518-8_1518-7del

Gene: BUB1B (BUB1 mitotic checkpoint serine/threonine kinase B; plus strand). Cytogenetic location: 15q15.1.
Variant type: Deletion.
Coding change: c.1518-8_1518-7del on transcript NM_001211.6 (MANE Select); 8 bases into the intron before coding-DNA position 1518 through 7 bases into the intron before coding-DNA position 1518, 2 bases deleted (CT; older notation c.1518-8_1518-7delCT).
Molecular consequence: intron variant.
Genome position (GRCh38, 1-based): chr15:40,200,923-40,200,924, CT deleted; deleting any 2 consecutive bases within chr15:40,200,922-40,200,924 gives the same sequence; the c. name uses the placement nearest the transcript's 3' end. VCF-style (leftmost placement, unchanged base first): chr15-40200921-TTC-T. GRCh37 (hg19) VCF-style: chr15-40493122-TTC-T.
Identifiers: ClinVar variation 4704226 (VCV004704226.1).